The following is an entry in ClinVar:

NM_001130823.3(DNMT1):c.208A>G (p.Lys70Glu)

Gene: DNMT1 (DNA methyltransferase 1; minus strand). Cytogenetic location: 19p13.2.
Variant type: single nucleotide variant.
Coding change: c.208A>G on transcript NM_001130823.3 (MANE Select); coding-DNA position 208, A replaced by G.
Protein change: p.Lys70Glu; replaces lysine 70 with glutamic acid.
Molecular consequence: missense variant. On other transcripts: 5 prime UTR variant (1).
Genome position (GRCh38, 1-based): chr19:10,180,795, T>C on the plus strand (A>G on the coding strand, the complement: DNMT1 is on the minus strand). VCF-style: chr19-10180795-T-C. GRCh37 (hg19) VCF-style: chr19-10291471-T-C.
Other names: c.208A>G, p.Lys70Glu (NM_001318730.2, NM_001379.4); c.-116A>G (NM_001318731.2); short protein forms K70E.
Identifiers: ClinVar variation 3020854 (VCV003020854.3), dbSNP rs2513894206, ClinGen allele CA403947025.

ClinVar aggregate classification (germline): Uncertain significance (1 of 4 stars; one submission).

Conditions:
Hereditary sensory neuropathy-deafness-dementia syndrome. Also called: Hereditary Sensory and Autonomic Neuropathy Type 1E (HSAN1E); HSN IE; Hereditary sensory neuropathy type IE; NEUROPATHY, HEREDITARY SENSORY, WITH HEARING LOSS AND DEMENTIA. Identifiers: Orphanet 456318, MedGen C3279885, MONDO:0013584, OMIM 614116.

Allele frequency attached by ClinVar (database versions not stated): gnomAD exomes 0.00001.
gnomAD v4.1: 8 of 1,614,156 alleles (0.0005%); highest among the groups gnomAD compares: Non-Finnish European, 0.00068%; no homozygotes.

Submission:

Labcorp Genetics (formerly Invitae), Labcorp
Classification: Uncertain significance for Hereditary sensory neuropathy-deafness-dementia syndrome. Last evaluated: 2024-06-12. Review status: criteria provided, single submitter. Criteria: Invitae Variant Classification Sherloc (09022015). Collection method: clinical testing. Allele origin: germline.
Comment: This sequence change replaces lysine, which is basic and polar, with glutamic acid, which is acidic and polar, at codon 70 of the DNMT1 protein (p.Lys70Glu). This variant is not present in population databases (gnomAD no frequency). This variant has not been reported in the literature in individuals affected with DNMT1-related conditions. Advanced modeling of protein sequence and biophysical properties (such as structural, functional, and spatial information, amino acid conservation, physicochemical variation, residue mobility, and thermodynamic stability) performed at Invitae indicates that this missense variant is not expected to disrupt DNMT1 protein function with a negative predictive value of 80%. In summary, the available evidence is currently insufficient to determine the role of this variant in disease. Therefore, it has been classified as a Variant of Uncertain Significance.